The following is an entry in ClinVar:

ClinVar aggregate classification (germline): Uncertain significance (1 of 4 stars; one submission).

gnomAD v4.1: 6 of 1,614,158 alleles (0.00037%); highest among the groups gnomAD compares: Non-Finnish European, 0.00042%; no homozygotes.

Submission:

Labcorp Genetics (formerly Invitae), Labcorp
Classification: Uncertain significance. Last evaluated: 2025-01-02. Review status: criteria provided, single submitter. Criteria: Invitae Variant Classification Sherloc (09022015). Collection method: clinical testing. Allele origin: germline.
Comment: This sequence change replaces asparagine, which is neutral and polar, with histidine, which is basic and polar, at codon 1507 of the ARID1A protein (p.Asn1507His). This variant is present in population databases (no rsID available, gnomAD 0.0009%). This variant has not been reported in the literature in individuals affected with ARID1A-related conditions. Invitae Evidence Modeling of protein sequence and biophysical properties (such as structural, functional, and spatial information, amino acid conservation, physicochemical variation, residue mobility, and thermodynamic stability) indicates that this missense variant is not expected to disrupt ARID1A protein function with a negative predictive value of 80%. In summary, the available evidence is currently insufficient to determine the role of this variant in disease. Therefore, it has been classified as a Variant of Uncertain Significance.

NM_006015.6(ARID1A):c.4519A>C (p.Asn1507His)

Gene: ARID1A (AT-rich interaction domain 1A; plus strand). Cytogenetic location: 1p36.11.
Variant type: single nucleotide variant.
Coding change: c.4519A>C on transcript NM_006015.6 (MANE Select); coding-DNA position 4519, A replaced by C.
Protein change: p.Asn1507His; replaces asparagine 1507 with histidine.
Molecular consequence: missense variant. On other transcripts: intron variant (1).
Genome position (GRCh38, 1-based): chr1:26,774,746, A>C. VCF-style: chr1-26774746-A-C. GRCh37 (hg19) VCF-style: chr1-27101237-A-C.
Other names: c.4102-234A>C (NM_139135.4); short protein forms N1507H.
Identifiers: ClinVar variation 3676279 (VCV003676279.2).
Genomic context (GRCh38, chr1:26,774,746, plus strand): 5'-GCATCAGCTGAGGTTGCTCAGCAAGGCACCATGTGGCAGGGGCGTAATGACATGACCTAT[A>C]ATTATGCCAACAGGCAGAGCACGGGCTCTGCCCCCCAGGGCCCCGCCTATCATGGCGTGA-3'
Protein context (NP_006006.3, residues 1497-1517): MWQGRNDMTY[Asn1507His]YANRQSTGSA